The following is an entry in ClinVar:

NM_002693.3(POLG):c.438G>C (p.Gln146His)

Genes: POLGARF (POLG alternative reading frame; minus strand), POLG (DNA polymerase gamma, catalytic subunit; minus strand). Cytogenetic location: 15q26.1.
Variant type: single nucleotide variant.
Coding change: c.438G>C on transcript NM_002693.3 (MANE Select); coding-DNA position 438, G replaced by C.
Protein change: p.Gln146His; replaces glutamine 146 with histidine.
Molecular consequence: missense variant.
Genome position (GRCh38, 1-based): chr15:89,333,317, C>G on the plus strand (G>C on the coding strand, the complement: POLG is on the minus strand). VCF-style: chr15-89333317-C-G. GRCh37 (hg19) VCF-style: chr15-89876548-C-G.
Other names: c.438G>C, p.Gln146His (NM_001126131.2); short protein forms Q146H.
Identifiers: ClinVar variation 2858095 (VCV002858095.3), dbSNP rs2509275395, ClinGen allele CA393771760.

ClinVar aggregate classification (germline): Uncertain significance (1 of 4 stars; one submission).

Conditions:
Progressive sclerosing poliodystrophy (MTDPS4A). Also called: Mitochondrial DNA depletion syndrome 4A (Alpers type); ALPERS PROGRESSIVE INFANTILE POLIODYSTROPHY; NEURONAL DEGENERATION OF CHILDHOOD WITH LIVER DISEASE, PROGRESSIVE; Alpers Syndrome; ALPERS DIFFUSE DEGENERATION OF CEREBRAL GRAY MATTER WITH HEPATIC CIRRHOSIS; Alpers-Huttenlocher Syndrome. Identifiers: Orphanet 726, MedGen C0205710, MONDO:0008758, OMIM 203700.

Submission:

Labcorp Genetics (formerly Invitae), Labcorp
Classification: Uncertain significance for Progressive sclerosing poliodystrophy. Last evaluated: 2023-05-22. Review status: criteria provided, single submitter. Criteria: Invitae Variant Classification Sherloc (09022015). Collection method: clinical testing. Allele origin: germline.
Comment: In summary, the available evidence is currently insufficient to determine the role of this variant in disease. Therefore, it has been classified as a Variant of Uncertain Significance. Advanced modeling of protein sequence and biophysical properties (such as structural, functional, and spatial information, amino acid conservation, physicochemical variation, residue mobility, and thermodynamic stability) performed at Invitae indicates that this missense variant is expected to disrupt POLG protein function. This variant has not been reported in the literature in individuals affected with POLG-related conditions. This variant is not present in population databases (gnomAD no frequency). This sequence change replaces glutamine, which is neutral and polar, with histidine, which is basic and polar, at codon 146 of the POLG protein (p.Gln146His).